The following is an entry in ClinVar:

ClinVar aggregate classification (germline): Uncertain significance (1 of 4 stars; one submission).

Conditions:
Nemaline myopathy 6 (NEM6). Also called: Nemaline myopathy 6, autosomal dominant. Identifiers: Orphanet 171439, MedGen C1836472, MONDO:0012237, OMIM 609273.

Allele frequency attached by ClinVar (database versions not stated): gnomAD exomes below 0.00001 and 0.00001; TOPMed below 0.00001.
gnomAD v4.1: 4 of 1,525,370 alleles (0.00026%); highest among the groups gnomAD compares: South Asian, 0.0048%; no homozygotes.

Submission:

Labcorp Genetics (formerly Invitae), Labcorp
Classification: Uncertain significance for Nemaline myopathy 6. Last evaluated: 2021-10-24. Review status: criteria provided, single submitter. Criteria: Invitae Variant Classification Sherloc (09022015). Collection method: clinical testing. Allele origin: germline.
Comment: In summary, the available evidence is currently insufficient to determine the role of this variant in disease. Therefore, it has been classified as a Variant of Uncertain Significance. Algorithms developed to predict the effect of missense changes on protein structure and function are either unavailable or do not agree on the potential impact of this missense change (SIFT: "Tolerated"; PolyPhen-2: "Possibly Damaging"; Align-GVGD: "Class C0"). This missense change has been observed in individual(s) with clinical features of KBTBD13-related conditions (PMID: 29382405). This variant is present in population databases (no rsID available, gnomAD 0.009%). This sequence change replaces glutamic acid, which is acidic and polar, with glycine, which is neutral and non-polar, at codon 226 of the KBTBD13 protein (p.Glu226Gly).

Literature cited by the submitters: PubMed 29382405.

NM_001101362.3(KBTBD13):c.677A>G (p.Glu226Gly)

Gene: KBTBD13 (kelch repeat and BTB domain containing 13; plus strand). Cytogenetic location: 15q22.31.
Variant type: single nucleotide variant.
Coding change: c.677A>G on transcript NM_001101362.3 (MANE Select); coding-DNA position 677, A replaced by G.
Protein change: p.Glu226Gly; replaces glutamic acid 226 with glycine.
Molecular consequence: missense variant.
Genome position (GRCh38, 1-based): chr15:65,077,492, A>G. VCF-style: chr15-65077492-A-G. GRCh37 (hg19) VCF-style: chr15-65369830-A-G.
Other names: short protein forms E226G.
Identifiers: ClinVar variation 1397572 (VCV001397572.6), dbSNP rs1339316249, ClinGen allele CA392862237.
Genomic context (GRCh38, chr15:65,077,492, plus strand): 5'-CGCTGGGCAACAAGCTTTACATCGTGGGGGGCGTGCGCGGCGCCAGCAAGGAGGTGGTAG[A>G]GCTGGGCTTCTGCTACGACCCCGACGGCGGCACGTGGCACGAGTTCCCCAGCCCGCACCA-3'
Protein context (NP_001094832.1, residues 216-236): GVRGASKEVV[Glu226Gly]LGFCYDPDGG